The following is an entry in ClinVar:

NM_001110556.2(FLNA):c.3529G>T (p.Glu1177Ter)

Gene: FLNA (filamin A; minus strand). Cytogenetic location: Xq28.
Variant type: single nucleotide variant.
Coding change: c.3529G>T on transcript NM_001110556.2 (MANE Select); coding-DNA position 3529, G replaced by T.
Protein change: p.Glu1177Ter; replaces glutamic acid 1177 with a stop codon.
Molecular consequence: nonsense.
Genome position (GRCh38, 1-based): chrX:154,360,266, C>A on the plus strand (G>T on the coding strand, the complement: FLNA is on the minus strand). VCF-style: chrX-154360266-C-A. GRCh37 (hg19) VCF-style: chrX-153588634-C-A.
Other names: c.3529G>T, p.Glu1177Ter (NM_001456.4); short protein forms E1177*.
Identifiers: ClinVar variation 533562 (VCV000533562.9), dbSNP rs1557177738, ClinGen allele CA415224704.

ClinVar aggregate classification (germline): Pathogenic (1 of 4 stars; one submission).

Conditions:
Melnick-Needles syndrome (MNS). Also called: MELNICK-NEEDLES OSTEODYSPLASTY; Melnick-Needles Syndrome (FLNA-MNS); OSTEODYSPLASTY OF MELNICK AND NEEDLES. Identifiers: Orphanet 2484, MedGen C0025237, MONDO:0010650, OMIM 309350.
Frontometaphyseal dysplasia (FMD1). Identifiers: Orphanet 1826, MedGen C0265293, MONDO:0015942.
Heterotopia, periventricular, X-linked dominant (PVNH1). Also called: PERIVENTRICULAR NODULAR HETEROTOPIA 4; HETEROTOPIA, PERIVENTRICULAR, 1; PERIVENTRICULAR NODULAR HETEROTOPIA 1; X-linked periventricular heterotopia. Identifiers: Orphanet 2149, Orphanet 82004, MedGen C1848213, MONDO:0010233, OMIM 300049.
Oto-palato-digital syndrome, type II (OPD2). Also called: Otopalatodigital Syndrome Type 2 (FLNA-OPD2); FACIOPALATOOSSEOUS SYNDROME; OPD II SYNDROME; Otopalatodigital Syndrome, Type II. Identifiers: Orphanet 669, Orphanet 90652, MedGen C1844696, MONDO:0010571, OMIM 304120.

Submission:

Labcorp Genetics (formerly Invitae), Labcorp
Classification: Pathogenic for Oto-palato-digital syndrome, type II; Heterotopia, periventricular, X-linked dominant; Frontometaphyseal dysplasia; Melnick-Needles syndrome. Last evaluated: 2019-05-09. Review status: criteria provided, single submitter. Criteria: Invitae Variant Classification Sherloc (09022015). Collection method: clinical testing. Allele origin: germline.
Comment: For these reasons, this variant has been classified as Pathogenic. Loss-of-function variants in FLNA are known to be pathogenic (PMID: 16684786, 20730588, 26471271). This variant has not been reported in the literature in individuals with FLNA-related conditions. ClinVar contains an entry for this variant (Variation ID: 533562). This variant is not present in population databases (ExAC no frequency). This sequence change creates a premature translational stop signal (p.Glu1177*) in the FLNA gene. It is expected to result in an absent or disrupted protein product.

Literature cited by the submitters: PubMed 16684786; PubMed 20730588; PubMed 26471271.